The following is an entry in ClinVar:

NM_014712.3(SETD1A):c.4430A>C (p.Lys1477Thr)

Gene: SETD1A (SET domain containing 1A, histone lysine methyltransferase; plus strand). Cytogenetic location: 16p11.2.
Variant type: single nucleotide variant.
Coding change: c.4430A>C on transcript NM_014712.3 (MANE Select); coding-DNA position 4430, A replaced by C.
Protein change: p.Lys1477Thr; replaces lysine 1477 with threonine.
Molecular consequence: missense variant.
Genome position (GRCh38, 1-based): chr16:30,980,506, A>C. VCF-style: chr16-30980506-A-C. GRCh37 (hg19) VCF-style: chr16-30991827-A-C.
Other names: short protein forms K1477T.
Identifiers: ClinVar variation 2662985 (VCV002662985.1), dbSNP rs2543908287, ClinGen allele CA395632897.
Genomic context (GRCh38, chr16:30,980,506, plus strand): 5'-GGCCAGAGAGGAGCCGTTCTCTTCCTTAACACCCTGCACTCACCAACCTGACCACCCCAA[A>C]ACGCAAGCGGCGGCCCCAGGATGGGCCCCGGGAGCACCAGACAGGCTCAGCCCGCAGCGA-3'
Protein context (NP_055527.1, residues 1467-1487): HHTITNLTTP[Lys1477Thr]RKRRPQDGPR

ClinVar aggregate classification (germline): Uncertain significance (1 of 4 stars; one submission).

Submission:

GeneDx
Classification: Uncertain significance. Last evaluated: 2023-04-16. Review status: criteria provided, single submitter. Criteria: GeneDx Variant Classification Process June 2021. Collection method: clinical testing. Allele origin: germline. Affected: yes.
Comment: Not observed at significant frequency in large population cohorts (gnomAD); In silico analysis supports that this missense variant has a deleterious effect on protein structure/function; Has not been previously published as pathogenic or benign to our knowledge